The following is an entry in ClinVar:

ClinVar aggregate classification (germline): Conflicting classifications of pathogenicity. Review status: criteria provided, conflicting classifications (1 of 4 stars). 7 submissions from 7 submitters: Uncertain significance (4); Likely benign (3). Last evaluated 2026-01-26.

Conditions:
Inborn genetic diseases. Identifiers: MedGen C0950123, MeSH D030342.
Limb-girdle muscular dystrophy due to POMK deficiency. Also called: Muscular dystrophy-dystroglycanopathy (limb-girdle), type c, 12; MUSCULAR DYSTROPHY-DYSTROGLYCANOPATHY, LIMB-GIRDLE, POMK-RELATED. Identifiers: Orphanet 445110, MedGen C4015184, MONDO:0014489, OMIM 616094.
Muscular dystrophy-dystroglycanopathy (congenital with brain and eye anomalies), type a, 12 (MDDGA12). Also called: WALKER-WARBURG SYNDROME OR MUSCLE-EYE-BRAIN DISEASE, POMK-RELATED. Identifiers: Orphanet 899, MedGen C3808964, MONDO:0014101, OMIM 615249.
POMK-related disorder. Also called: POMK-related condition.

Allele frequency attached by ClinVar (database versions not stated): gnomAD 0.00019; ESP Exome Variant Server 0.00023; TOPMed 0.00027.
gnomAD v4.1: 272 of 1,613,992 alleles (0.017%); highest among the groups gnomAD compares: Admixed American, 0.033%; 1 homozygote.

Submissions (7):

Labcorp Genetics (formerly Invitae), Labcorp
Classification: Likely benign for Muscular dystrophy-dystroglycanopathy (congenital with brain and eye anomalies), type a, 12; Limb-girdle muscular dystrophy due to POMK deficiency. Last evaluated: 2026-01-26. Review status: criteria provided, single submitter. Criteria: Invitae Variant Classification Sherloc (09022015). Collection method: clinical testing. Allele origin: germline.

PreventionGenetics, part of Exact Sciences
Classification: Likely benign for POMK-related condition. Last evaluated: 2025-08-06. Review status: criteria provided, single submitter. Criteria: ACMG Guidelines, 2015. Collection method: clinical testing. Allele origin: germline.
Comment: This variant is classified as likely benign based on ACMG/AMP sequence variant interpretation guidelines (Richards et al. 2015 PMID: 25741868, with internal and published modifications).

Revvity Omics, Revvity
Classification: Uncertain significance. Last evaluated: 2023-10-09. Review status: criteria provided, single submitter. Criteria: ACMG Guidelines, 2015. Collection method: clinical testing. Allele origin: germline.

Ambry Genetics
Classification: Likely benign for Inborn genetic diseases. Last evaluated: 2022-01-05. Review status: criteria provided, single submitter. Criteria: Ambry Variant Classification Scheme 2023. Collection method: clinical testing. Allele origin: germline.

Mayo Clinic Laboratories, Mayo Clinic
Classification: Uncertain significance. Last evaluated: 2020-11-12. Review status: criteria provided, single submitter. Criteria: ACMG Guidelines, 2015. Collection method: clinical testing. Allele origin: germline. Observed: 1 variant allele.

GeneDx
Classification: Uncertain significance. Last evaluated: 2020-10-01. Review status: criteria provided, single submitter. Criteria: GeneDx Variant Classification Process June 2021. Collection method: clinical testing. Allele origin: germline. Affected: yes.
Comment: In silico analysis supports that this missense variant does not alter protein structure/function; Has not been previously published as pathogenic or benign to our knowledge

Baylor Genetics
Classification: Uncertain significance for Muscular dystrophy-dystroglycanopathy (congenital with brain and eye anomalies), type a, 12. Last evaluated: 2019-01-25. Review status: criteria provided, single submitter. Criteria: ACMG Guidelines, 2015. Collection method: clinical testing. Allele origin: maternal. Affected: yes.
Comment: This variant was determined to be of uncertain significance according to ACMG Guidelines, 2015 [PMID:25741868].

NM_032237.5(POMK):c.44G>A (p.Arg15Gln)

Gene: POMK (protein O-mannose kinase; plus strand). Cytogenetic location: 8p11.21.
Variant type: single nucleotide variant.
Coding change: c.44G>A on transcript NM_032237.5 (MANE Select); coding-DNA position 44, G replaced by A.
Protein change: p.Arg15Gln; replaces arginine 15 with glutamine.
Molecular consequence: missense variant.
Genome position (GRCh38, 1-based): chr8:43,103,592, G>A. VCF-style: chr8-43103592-G-A. GRCh37 (hg19) VCF-style: chr8-42958735-G-A.
Other names: c.44G>A, p.Arg15Gln (NM_001277971.2); short protein forms R15Q.
Identifiers: ClinVar variation 705716 (VCV000705716.23), dbSNP rs377725187, ClinGen allele CA4736178.
Genomic context (GRCh38, chr8:43,103,592, plus strand): 5'-TTGCAGAGGCCGTCAACATGGAAAAGCAGCCCCAGAACAGCAGGAGAGGCCTCGCCCCCC[G>A]AGAGGTGCCGCCAGCTGTTGGGCTGCTGCTGATCATGGCCCTGATGAATACTCTGCTCTA-3'
Protein context (NP_115613.1, residues 5-25): PQNSRRGLAP[Arg15Gln]EVPPAVGLLL